The following is an entry in ClinVar:

ClinVar aggregate classification (germline): Uncertain significance (1 of 4 stars; one submission).

Conditions:
RYR1-related disorder. Also called: RYR1-related condition; RYR1-related disorders. Identifiers: MedGen CN239331.

Submission:

Labcorp Genetics (formerly Invitae), Labcorp
Classification: Uncertain significance for RYR1-related disorder. Last evaluated: 2025-05-08. Review status: criteria provided, single submitter. Criteria: Invitae Variant Classification Sherloc (09022015). Collection method: clinical testing. Allele origin: germline.
Comment: This sequence change replaces histidine, which is basic and polar, with asparagine, which is neutral and polar, at codon 4152 of the RYR1 protein (p.His4152Asn). This variant is not present in population databases (gnomAD no frequency). This variant has not been reported in the literature in individuals affected with RYR1-related conditions. Invitae Evidence Modeling of protein sequence and biophysical properties (such as structural, functional, and spatial information, amino acid conservation, physicochemical variation, residue mobility, and thermodynamic stability) indicates that this missense variant is expected to disrupt RYR1 protein function with a positive predictive value of 80%. In summary, the available evidence is currently insufficient to determine the role of this variant in disease. Therefore, it has been classified as a Variant of Uncertain Significance.

NM_000540.3(RYR1):c.12454C>A (p.His4152Asn)

Gene: RYR1 (ryanodine receptor 1; plus strand). Cytogenetic location: 19q13.2.
Variant type: single nucleotide variant.
Coding change: c.12454C>A on transcript NM_000540.3 (MANE Select); coding-DNA position 12454, C replaced by A.
Protein change: p.His4152Asn; replaces histidine 4152 with asparagine.
Molecular consequence: missense variant.
Genome position (GRCh38, 1-based): chr19:38,561,284, C>A. VCF-style: chr19-38561284-C-A. GRCh37 (hg19) VCF-style: chr19-39051924-C-A.
Other names: c.12439C>A, p.His4147Asn (NM_001042723.2); short protein forms H4147N, H4152N.
Identifiers: ClinVar variation 4753260 (VCV004753260.1).